The following is an entry in ClinVar:

ClinVar aggregate classification (germline): Uncertain significance. Review status: criteria provided, multiple submitters, no conflicts (2 of 4 stars). 2 submissions from 2 submitters: Uncertain significance (2). Last evaluated 2022-11-09.

Allele frequency attached by ClinVar (database versions not stated): gnomAD exomes below 0.00001; ESP Exome Variant Server 0.00008.
gnomAD v4.1: 5 of 1,613,660 alleles (0.00031%); highest among the groups gnomAD compares: Non-Finnish European, 0.00042%; no homozygotes.

Submissions (2):

Blueprint Genetics
Classification: Uncertain significance. Last evaluated: 2022-11-09. Review status: criteria provided, single submitter. Criteria: ACMG Guidelines, 2015. Collection method: clinical testing. Allele origin: germline.

Labcorp Genetics (formerly Invitae), Labcorp
Classification: Uncertain significance. Last evaluated: 2020-11-17. Review status: criteria provided, single submitter. Criteria: Invitae Variant Classification Sherloc (09022015). Collection method: clinical testing. Allele origin: germline.
Comment: This sequence change replaces threonine with asparagine at codon 186 of the FZD4 protein (p.Thr186Asn). The threonine residue is moderately conserved and there is a small physicochemical difference between threonine and asparagine. This variant is not present in population databases (ExAC no frequency). This variant has not been reported in the literature in individuals with FZD4-related conditions. Algorithms developed to predict the effect of missense changes on protein structure and function (SIFT, PolyPhen-2, Align-GVGD) all suggest that this variant is likely to be tolerated, but these predictions have not been confirmed by published functional studies and their clinical significance is uncertain. In summary, the available evidence is currently insufficient to determine the role of this variant in disease. Therefore, it has been classified as a Variant of Uncertain Significance.

NM_012193.4(FZD4):c.557C>A (p.Thr186Asn)

Genes: FZD4 (frizzled class receptor 4; minus strand), PRSS23 (serine protease 23; plus strand). Cytogenetic location: 11q14.2.
Variant type: single nucleotide variant.
Coding change: c.557C>A on transcript NM_012193.4 (MANE Select); coding-DNA position 557, C replaced by A.
Protein change: p.Thr186Asn; replaces threonine 186 with asparagine.
Molecular consequence: missense variant. On other transcripts: non-coding transcript variant (2).
Genome position (GRCh38, 1-based): chr11:86,952,199, G>T on the plus strand (C>A on the coding strand, the complement: FZD4 is on the minus strand). VCF-style: chr11-86952199-G-T. GRCh37 (hg19) VCF-style: chr11-86663241-G-T.
Other names: short protein forms T186N.
Identifiers: ClinVar variation 1500850 (VCV001500850.9), dbSNP rs145072875, ClinGen allele CA225381449.